The following is an entry in ClinVar:

ClinVar aggregate classification (germline): Uncertain significance (1 of 4 stars; one submission).

Allele frequency attached by ClinVar (database versions not stated): gnomAD exomes below 0.00001.
gnomAD v4.1: 1 of 1,585,948 alleles (0.000063%); highest among the groups gnomAD compares: Non-Finnish European, 0.000086%; no homozygotes.

Submission:

Labcorp Genetics (formerly Invitae), Labcorp
Classification: Uncertain significance. Last evaluated: 2023-03-11. Review status: criteria provided, single submitter. Criteria: Invitae Variant Classification Sherloc (09022015). Collection method: clinical testing. Allele origin: germline.
Comment: In summary, the available evidence is currently insufficient to determine the role of this variant in disease. Therefore, it has been classified as a Variant of Uncertain Significance. An algorithm developed to predict the effect of missense changes on protein structure and function (PolyPhen-2) suggests that this variant is likely to be tolerated. This variant has not been reported in the literature in individuals affected with PNPLA8-related conditions. This variant is not present in population databases (gnomAD no frequency). This sequence change replaces leucine, which is neutral and non-polar, with phenylalanine, which is neutral and non-polar, at codon 14 of the PNPLA8 protein (p.Leu14Phe).

NM_001256007.3(PNPLA8):c.40C>T (p.Leu14Phe)

Gene: PNPLA8 (patatin like domain 8, phospholipase A2; minus strand). Cytogenetic location: 7q31.1.
Variant type: single nucleotide variant.
Coding change: c.40C>T on transcript NM_001256007.3 (MANE Select); coding-DNA position 40, C replaced by T.
Protein change: p.Leu14Phe; replaces leucine 14 with phenylalanine.
Molecular consequence: missense variant. On other transcripts: intron variant (2).
Genome position (GRCh38, 1-based): chr7:108,515,452, G>A on the plus strand (C>T on the coding strand, the complement: PNPLA8 is on the minus strand). VCF-style: chr7-108515452-G-A. GRCh37 (hg19) VCF-style: chr7-108155896-G-A.
Other names: c.40C>T, p.Leu14Phe (NM_001256008.3, NM_001256009.3, NM_015723.5); c.-256-5C>T (NM_001256011.3, NM_001256010.3); short protein forms L14F.
Identifiers: ClinVar variation 2844984 (VCV002844984.3), dbSNP rs2552117905, ClinGen allele CA368899732.